The following is an entry in ClinVar:

ClinVar aggregate classification (germline): Pathogenic/Likely pathogenic. Review status: criteria provided, multiple submitters, no conflicts (2 of 4 stars). 3 submissions from 3 submitters: Pathogenic (1); Likely pathogenic (2). Last evaluated 2025-01-29.

Conditions:
POC1B-related disorder. Also called: POC1B-related condition.
Cone-rod dystrophy 20 (CORD20). Identifiers: Orphanet 1872, MedGen C4014856, MONDO:0014427, OMIM 615973.

Allele frequency attached by ClinVar (database versions not stated): gnomAD 0.00001; gnomAD exomes below 0.00001.
gnomAD v4.1: 5 of 1,599,346 alleles (0.00031%); highest among the groups gnomAD compares: Admixed American, 0.0051%; no homozygotes.

Submissions (3):

Labcorp Genetics (formerly Invitae), Labcorp
Classification: Pathogenic. Last evaluated: 2025-01-29. Review status: criteria provided, single submitter. Criteria: Invitae Variant Classification Sherloc (09022015). Collection method: clinical testing. Allele origin: germline.
Comment: This sequence change affects a donor splice site in intron 6 of the POC1B gene. It is expected to disrupt RNA splicing. Variants that disrupt the donor or acceptor splice site typically lead to a loss of protein function (PMID: 16199547), and loss-of-function variants in POC1B are known to be pathogenic (PMID: 25018096, 29220607). This variant is present in population databases (no rsID available, gnomAD 0.006%). Disruption of this splice site has been observed in individuals with POC1B-related conditions (internal data). ClinVar contains an entry for this variant (Variation ID: 859104). Algorithms developed to predict the effect of sequence changes on RNA splicing suggest that this variant may disrupt the consensus splice site. For these reasons, this variant has been classified as Pathogenic.

Fulgent Genetics
Classification: Likely pathogenic for Cone-rod dystrophy 20. Last evaluated: 2024-01-30. Review status: criteria provided, single submitter. Criteria: ACMG Guidelines, 2015. Collection method: clinical testing. Allele origin: germline.

Blueprint Genetics
Classification: Likely pathogenic for POC1B-related disorders. Last evaluated: 2021-09-15. Review status: criteria provided, single submitter. Criteria: ACMG Guidelines, 2015. Collection method: clinical testing. Allele origin: germline. Affected: yes. Observed: 3 variant alleles.

Literature cited by the submitters: PubMed 16199547 (cited by Labcorp Genetics (formerly Invitae), Labcorp); PubMed 25018096 (cited by Labcorp Genetics (formerly Invitae), Labcorp); PubMed 29220607 (cited by Labcorp Genetics (formerly Invitae), Labcorp).

NM_172240.3(POC1B):c.676+1G>A

Genes: POC1B (POC1 centriolar protein B; minus strand), POC1B-DUSP6 (POC1B-DUSP6 readthrough; minus strand). Cytogenetic location: 12q21.33.
Variant type: single nucleotide variant.
Coding change: c.676+1G>A on transcript NM_172240.3 (MANE Select); the canonical splice donor site of the intron after coding-DNA position 676, G replaced by A.
Molecular consequence: splice donor variant.
Genome position (GRCh38, 1-based): chr12:89,471,613, C>T on the plus strand (G>A on the coding strand, the complement: POC1B is on the minus strand). VCF-style: chr12-89471613-C-T. GRCh37 (hg19) VCF-style: chr12-89865390-C-T.
Other names: c.550+1G>A (NM_001199777.2).
Identifiers: ClinVar variation 859104 (VCV000859104.12), dbSNP rs909373397, ClinGen allele CA241202015.